The following is an entry in ClinVar:

ClinVar aggregate classification (germline): Conflicting classifications of pathogenicity. Review status: criteria provided, conflicting classifications (1 of 4 stars). 17 submissions from 13 submitters: Uncertain significance (5); Benign (4); Likely benign (7). 1 of the submissions does not count toward it. Last evaluated 2026-02-01.

Conditions:
TTN-related disorder. Also called: TTN-related condition; TTN-related disease; TTN-related disorders.
Cardiovascular phenotype. Identifiers: MedGen CN230736.
Autosomal recessive limb-girdle muscular dystrophy type 2J (LGMDR10). Also called: MUSCULAR DYSTROPHY, LIMB-GIRDLE, AUTOSOMAL RECESSIVE 10; Limb-girdle muscular dystrophy, type 2J. Identifiers: Orphanet 140922, MedGen C1837342, MONDO:0012127, OMIM 608807.
Dilated cardiomyopathy 1G (CMD1G). Identifiers: Orphanet 154, MedGen C1858763, MONDO:0011400, OMIM 604145.
Cardiomyopathy (CMYO). Also called: Cardiomyopathies. Identifiers: Orphanet 167848, MedGen C0878544, MONDO:0004994, HP:0001638. Inheritance: Various modes of inheritance.
Myopathy, myofibrillar, 9, with early respiratory failure (MFM9). Also called: Myopathy, distal, with early respiratory failure, autosomal dominant; EDSTROM MYOPATHY; MYOPATHY, PROXIMAL, WITH EARLY RESPIRATORY MUSCLE INVOLVEMENT; Hereditary myopathy with early respiratory failure. Identifiers: Orphanet 178464, Orphanet 34521, MedGen C1863599, MONDO:0011362, OMIM 603689.
Early-onset myopathy with fatal cardiomyopathy (CMYO5). Also called: CONGENITAL MYOPATHY 5 WITH CARDIOMYOPATHY; Salih Myopathy. Identifiers: Orphanet 289377, MedGen C2673677, MONDO:0012714, OMIM 611705. Disease mechanism: loss of function.
Tibial muscular dystrophy (TMD). Also called: Tibial muscular dystrophy, tardive; Udd Distal Myopathy – Tibial Muscular Dystrophy; UDD MYOPATHY. Identifiers: Orphanet 609, MedGen C1838244, MONDO:0010870, OMIM 600334.

Allele frequency attached by ClinVar (database versions not stated): gnomAD exomes 0.00007 and 0.00022; ExAC 0.00020; ESP Exome Variant Server 0.00033; TOPMed 0.00069; gnomAD 0.00070 and 0.00076.
gnomAD v4.1: 214 of 1,613,204 alleles (0.013%); highest among the groups gnomAD compares: African/African-American, 0.22%; no homozygotes.

Submissions (17):

Labcorp Genetics (formerly Invitae), Labcorp
Classification: Likely benign for Dilated cardiomyopathy 1G; Autosomal recessive limb-girdle muscular dystrophy type 2J. Last evaluated: 2026-02-01. Review status: criteria provided, single submitter. Criteria: Invitae Variant Classification Sherloc (09022015). Collection method: clinical testing. Allele origin: germline.

Women's Health and Genetics/Laboratory Corporation of America, LabCorp
Classification: Likely benign. Last evaluated: 2025-10-15. Review status: criteria provided, single submitter. Criteria: LabCorp Variant Classification Summary - May 2015. Collection method: clinical testing. Allele origin: germline.
Comment: Variant summary: TTN c.50522G>A (p.Arg16841His) results in a non-conservative amino acid change in the encoded protein sequence. Algorithms developed to predict the effect of missense changes on protein structure and function are either unavailable or do not agree on the potential impact of this missense change. The variant allele was found at a frequency of 0.00022 in 248062 control chromosomes, predominantly at a frequency of 0.0028 within the African or African-American subpopulation in the gnomAD database. The observed variant frequency within African or African-American control individuals in the gnomAD database exceeds the estimated maximal expected allele frequency for disease-causing variants in TTN. To our knowledge, no occurrence of c.50522G>A in individuals affected with TTN-related conditions and no experimental evidence demonstrating its impact on protein function have been reported. ClinVar contains an entry for this variant (Variation ID: 165946). Based on the evidence outlined above, the variant was classified as likely benign.

Mayo Clinic Laboratories, Mayo Clinic
Classification: Likely benign. Last evaluated: 2025-08-13. Review status: criteria provided, single submitter. Criteria: ACMG Guidelines, 2015. Collection method: clinical testing. Allele origin: germline. Observed: 3 variant alleles.
Comment: BS1, BP4

Athena Diagnostics
Classification: Benign. Last evaluated: 2024-10-17. Review status: criteria provided, single submitter. Criteria: Athena Diagnostics Criteria. Collection method: clinical testing. Allele origin: unknown.

Revvity Omics, Revvity
Classification: Likely benign. Last evaluated: 2024-08-16. Review status: criteria provided, single submitter. Criteria: ACMG Guidelines, 2015. Collection method: clinical testing. Allele origin: germline.

Ambry Genetics
Classification: Likely benign for Cardiovascular phenotype. Last evaluated: 2019-02-21. Review status: criteria provided, single submitter. Criteria: Ambry Variant Classification Scheme 2023. Collection method: clinical testing. Allele origin: germline.

Illumina Laboratory Services, Illumina
Classification: Uncertain significance for Dilated cardiomyopathy 1G. Last evaluated: 2018-01-13. Review status: criteria provided, single submitter. Criteria: ICSL Variant Classification Criteria 13 December 2019. Collection method: clinical testing. Allele origin: germline.

Illumina Laboratory Services, Illumina
Classification: Benign for Myopathy, myofibrillar, 9, with early respiratory failure. Last evaluated: 2018-01-13. Review status: criteria provided, single submitter. Criteria: ICSL Variant Classification Criteria 13 December 2019. Collection method: clinical testing. Allele origin: germline.
Comment: This variant was observed in the ICSL laboratory as part of a predisposition screen in an ostensibly healthy population. It had not been previously curated by ICSL or reported in the Human Gene Mutation Database (HGMD: prior to June 1st, 2018), and was therefore a candidate for classification through an automated scoring system. Utilizing variant allele frequency, disease prevalence and penetrance estimates, and inheritance mode, an automated score was calculated to assess if this variant is too frequent to cause the disease. Based on the score and internal cut-off values, a variant classified as benign is not then subjected to further curation. The score for this variant resulted in a classification of benign for this disease.

Illumina Laboratory Services, Illumina
Classification: Uncertain significance for Autosomal recessive limb-girdle muscular dystrophy type 2J. Last evaluated: 2018-01-13. Review status: criteria provided, single submitter. Criteria: ICSL Variant Classification Criteria 13 December 2019. Collection method: clinical testing. Allele origin: germline.

Illumina Laboratory Services, Illumina
Classification: Benign for Tibial muscular dystrophy. Last evaluated: 2018-01-13. Review status: criteria provided, single submitter. Criteria: ICSL Variant Classification Criteria 13 December 2019. Collection method: clinical testing. Allele origin: germline.
Comment: the same text as in the submission from Illumina Laboratory Services, Illumina above.

Illumina Laboratory Services, Illumina
Classification: Uncertain significance for Early-onset myopathy with fatal cardiomyopathy. Last evaluated: 2018-01-13. Review status: criteria provided, single submitter. Criteria: ICSL Variant Classification Criteria 13 December 2019. Collection method: clinical testing. Allele origin: germline.

Eurofins Ntd Llc (ga)
Classification: Uncertain significance. Last evaluated: 2017-12-07. Review status: criteria provided, single submitter. Criteria: EGL Classification Definitions 2015. Collection method: clinical testing. Allele origin: germline. Observed: 6 variant alleles, 6 heterozygotes.

CHEO Genetics Diagnostic Laboratory, Children's Hospital of Eastern Ontario
Classification: Benign for Cardiomyopathy. Last evaluated: 2017-11-27. Review status: criteria provided, single submitter. Criteria: ACMG Guidelines, 2015. Collection method: clinical testing. Allele origin: germline.

GeneDx
Classification: Likely benign. Last evaluated: 2017-07-13. Review status: criteria provided, single submitter. Criteria: GeneDx Variant Classification (06012015). Collection method: clinical testing. Allele origin: germline. Affected: yes.
Comment: This variant is considered likely benign or benign based on one or more of the following criteria: it is a conservative change, it occurs at a poorly conserved position in the protein, it is predicted to be benign by multiple in silico algorithms, and/or has population frequency not consistent with disease.

Laboratory for Molecular Medicine, Mass General Brigham Personalized Medicine
Classification: Likely benign. Last evaluated: 2014-07-16. Review status: criteria provided, single submitter. Criteria: LMM Criteria. Collection method: clinical testing. Allele origin: germline. Observed: 1 variant allele.
Comment: The Arg16841His variant in TTN is believed to be likely benign based on a lack o f evolutionary conservation (7 mammals carry a histidine (His) at this position, supporting that this change may be tolerated). This variant has been identified in 3/3922 of African American chromosomes by the NHLBI Exome Sequencing Project (dbSNP rs201505306).

Biesecker Lab/Clinical Genomics Section, National Institutes of Health
Classification: Uncertain significance. Last evaluated: 2013-06-24. Review status: criteria provided, single submitter. Criteria: Ng et al. (Circ Cardiovasc Genet. 2013). Collection method: research. Allele origin: unknown. Observed: 1 variant allele. Study: ClinSeq.
Comment: The study set was not selected for affection status in relation to any cancer. Pathogenicity categories were based on literature curation. See Pubmed ID:23861362 for details.

Medical sequencing

PreventionGenetics, part of Exact Sciences
Classification: Likely benign for TTN-related condition. Last evaluated: 2022-03-14. Review status: no assertion criteria provided. Collection method: clinical testing. Allele origin: germline. Not counted in ClinVar's aggregate classification.
Comment: This variant is classified as likely benign based on ACMG/AMP sequence variant interpretation guidelines (Richards et al. 2015 PMID: 25741868, with internal and published modifications).

Literature cited by the submitters: PubMed 23861362 (cited by Athena Diagnostics and Ambry Genetics).

NM_001267550.2(TTN):c.58226G>A (p.Arg19409His)

Genes: TTN (titin; minus strand), TTN-AS1 (TTN antisense RNA 1; plus strand). Cytogenetic location: 2q31.2.
Variant type: single nucleotide variant.
Coding change: c.58226G>A on transcript NM_001267550.2 (MANE Select); coding-DNA position 58226, G replaced by A.
Protein change: p.Arg19409His; replaces arginine 19409 with histidine.
Molecular consequence: missense variant.
Genome position (GRCh38, 1-based): chr2:178,594,167, C>T on the plus strand (G>A on the coding strand, the complement: TTN is on the minus strand). VCF-style: chr2-178594167-C-T. GRCh37 (hg19) VCF-style: chr2-179458894-C-T.
Other names: c.53303G>A, p.Arg17768His (NM_001256850.1); c.31031G>A, p.Arg10344His (NM_003319.4); c.50522G>A, p.Arg16841His (NM_133378.4); c.31406G>A, p.Arg10469His (NM_133432.3); c.31607G>A, p.Arg10536His (NM_133437.4); c.58226G>A (NM_001267550.1); short protein forms R16841H, R19409H, R17768H, R10344H, R10469H, R10536H.
Identifiers: ClinVar variation 165946 (VCV000165946.34), dbSNP rs201505306, ClinGen allele CA178653.